The following is an entry in ClinVar:

NM_001298.3(CNGA3):c.1139T>C (p.Phe380Ser)

Gene: CNGA3 (cyclic nucleotide gated channel subunit alpha 3; plus strand). Cytogenetic location: 2q11.2.
Variant type: single nucleotide variant.
Coding change: c.1139T>C on transcript NM_001298.3 (MANE Select); coding-DNA position 1139, T replaced by C.
Protein change: p.Phe380Ser; replaces phenylalanine 380 with serine.
Molecular consequence: missense variant.
Genome position (GRCh38, 1-based): chr2:98,396,309, T>C. VCF-style: chr2-98396309-T-C. GRCh37 (hg19) VCF-style: chr2-99012772-T-C.
Other names: c.1085T>C, p.Phe362Ser (NM_001079878.2); short protein forms F362S, F380S.
Identifiers: ClinVar variation 941488 (VCV000941488.7), dbSNP rs1692911763, ClinGen allele CA347832913.
Genomic context (GRCh38, chr2:98,396,309, plus strand): 5'-CCTTGACCCTTACCACCATTGGTGAGACCCCACCCCCCGTGAAAGATGAGGAGTATCTCT[T>C]TGTGGTCGTAGACTTCTTGGTGGGTGTTCTGATTTTTGCCACCATTGTGGGCAATGTGGG-3'
Protein context (NP_001289.1, residues 370-390): PPPVKDEEYL[Phe380Ser]VVVDFLVGVL

ClinVar aggregate classification (germline): Likely pathogenic (1 of 4 stars; one submission).

Allele frequency attached by ClinVar (database versions not stated): gnomAD exomes below 0.00001.

Submission:

Labcorp Genetics (formerly Invitae), Labcorp
Classification: Likely pathogenic. Last evaluated: 2023-06-13. Review status: criteria provided, single submitter. Criteria: Invitae Variant Classification Sherloc (09022015). Collection method: clinical testing. Allele origin: germline.
Comment: Experimental studies have shown that this missense change affects CNGA3 function (PMID: 17693388). In summary, the currently available evidence indicates that the variant is pathogenic, but additional data are needed to prove that conclusively. Therefore, this variant has been classified as Likely Pathogenic. Advanced modeling of protein sequence and biophysical properties (such as structural, functional, and spatial information, amino acid conservation, physicochemical variation, residue mobility, and thermodynamic stability) performed at Invitae indicates that this missense variant is expected to disrupt CNGA3 protein function. ClinVar contains an entry for this variant (Variation ID: 941488). This missense change has been observed in individual(s) with CNGA3-related conditions (PMID: 11536077). In at least one individual the data is consistent with being in trans (on the opposite chromosome) from a pathogenic variant. This variant is not present in population databases (gnomAD no frequency). This sequence change replaces phenylalanine, which is neutral and non-polar, with serine, which is neutral and polar, at codon 380 of the CNGA3 protein (p.Phe380Ser).

Literature cited by the submitters: PubMed 17693388; PubMed 11536077.